The following is an entry in ClinVar:

ClinVar aggregate classification (germline): Uncertain significance. Review status: criteria provided, multiple submitters, no conflicts (2 of 4 stars). 2 submissions from 2 submitters: Uncertain significance (2). Last evaluated 2025-01-13.

Submissions (2):

Ambry Genetics
Classification: Uncertain significance. Last evaluated: 2025-01-13. Review status: criteria provided, single submitter. Criteria: Ambry Variant Classification Scheme 2023. Collection method: clinical testing. Allele origin: germline.
Comment: The p.Y370C variant (also known as c.1109A>G), located in coding exon 10 of the GEN1 gene, results from an A to G substitution at nucleotide position 1109. The tyrosine at codon 370 is replaced by cysteine, an amino acid with highly dissimilar properties. This amino acid position is conserved. In addition, this alteration is predicted to be deleterious by in silico analysis. Based on the available evidence, the clinical significance of this variant remains unclear.

Labcorp Genetics (formerly Invitae), Labcorp
Classification: Uncertain significance. Last evaluated: 2024-06-25. Review status: criteria provided, single submitter. Criteria: Invitae Variant Classification Sherloc (09022015). Collection method: clinical testing. Allele origin: germline.
Comment: This sequence change replaces tyrosine, which is neutral and polar, with cysteine, which is neutral and slightly polar, at codon 370 of the GEN1 protein (p.Tyr370Cys). This variant is not present in population databases (gnomAD no frequency). This variant has not been reported in the literature in individuals affected with GEN1-related conditions. An algorithm developed to predict the effect of missense changes on protein structure and function (PolyPhen-2) suggests that this variant is likely to be disruptive. In summary, the available evidence is currently insufficient to determine the role of this variant in disease. Therefore, it has been classified as a Variant of Uncertain Significance.

NM_001130009.3(GEN1):c.1109A>G (p.Tyr370Cys)

Gene: GEN1 (GEN1 structure-specific endonuclease; plus strand). Cytogenetic location: 2p24.2.
Variant type: single nucleotide variant.
Coding change: c.1109A>G on transcript NM_001130009.3 (MANE Select); coding-DNA position 1109, A replaced by G.
Protein change: p.Tyr370Cys; replaces tyrosine 370 with cysteine.
Molecular consequence: missense variant.
Genome position (GRCh38, 1-based): chr2:17,774,308, A>G. VCF-style: chr2-17774308-A-G. GRCh37 (hg19) VCF-style: chr2-17955575-A-G.
Other names: c.1109A>G (NM_001130009.1); c.1109A>G, p.Tyr370Cys (NM_182625.5); short protein forms Y370C.
Identifiers: ClinVar variation 2884893 (VCV002884893.4), dbSNP rs1158060583, ClinGen allele CA345920220.